The following is an entry in ClinVar:

ClinVar aggregate classification (germline): Uncertain significance (1 of 4 stars; one submission).

Conditions:
Marfan syndrome (MFS). Also called: FBN1-Related Marfan Syndrome; MARFAN SYNDROME, TYPE I; Marfan syndrome type 1; Marfan's syndrome; Marfan syndrome, classic. Identifiers: Orphanet 284963, Orphanet 558, MedGen C0024796, MONDO:0007947, OMIM 154700.
Familial thoracic aortic aneurysm and aortic dissection (TAAD). Also called: Thoracic aortic aneurysms and dissections. Identifiers: Orphanet 91387, MedGen C4707243, MONDO:0019625.

Submission:

Labcorp Genetics (formerly Invitae), Labcorp
Classification: Uncertain significance for Marfan syndrome; Familial thoracic aortic aneurysm and aortic dissection. Last evaluated: 2025-05-23. Review status: criteria provided, single submitter. Criteria: Invitae Variant Classification Sherloc (09022015). Collection method: clinical testing. Allele origin: germline.
Comment: This sequence change replaces phenylalanine, which is neutral and non-polar, with leucine, which is neutral and non-polar, at codon 828 of the FBN1 protein (p.Phe828Leu). This variant is not present in population databases (gnomAD no frequency). This variant has not been reported in the literature in individuals affected with FBN1-related conditions. Invitae Evidence Modeling of protein sequence and biophysical properties (such as structural, functional, and spatial information, amino acid conservation, physicochemical variation, residue mobility, and thermodynamic stability) indicates that this missense variant is expected to disrupt FBN1 protein function with a positive predictive value of 95%. In summary, the available evidence is currently insufficient to determine the role of this variant in disease. Therefore, it has been classified as a Variant of Uncertain Significance.

NM_000138.5(FBN1):c.2482T>C (p.Phe828Leu)

Gene: FBN1 (fibrillin 1; minus strand). Cytogenetic location: 15q21.1.
Variant type: single nucleotide variant.
Coding change: c.2482T>C on transcript NM_000138.5 (MANE Select); coding-DNA position 2482, T replaced by C.
Protein change: p.Phe828Leu; replaces phenylalanine 828 with leucine.
Molecular consequence: missense variant.
Genome position (GRCh38, 1-based): chr15:48,495,526, A>G on the plus strand (T>C on the coding strand, the complement: FBN1 is on the minus strand). VCF-style: chr15-48495526-A-G. GRCh37 (hg19) VCF-style: chr15-48787723-A-G.
Other names: c.2482T>C, p.Phe828Leu (NM_001406716.1); short protein forms F828L.
Identifiers: ClinVar variation 4789665 (VCV004789665.1).